The following is an entry in ClinVar:

ClinVar aggregate classification (germline): Uncertain significance. Review status: criteria provided, multiple submitters, no conflicts (2 of 4 stars). 2 submissions from 2 submitters: Uncertain significance (2). Last evaluated 2022-10-17.

Allele frequency attached by ClinVar (database versions not stated): TOPMed 0.00055; ESP Exome Variant Server 0.00058; gnomAD 0.00063; ExAC 0.00086; gnomAD exomes 0.00103.
gnomAD v4.1: 1,590 of 1,613,762 alleles (0.099%); highest among the groups gnomAD compares: Non-Finnish European, 0.13%; 2 homozygotes.

Submissions (2):

Labcorp Genetics (formerly Invitae), Labcorp
Classification: Uncertain significance. Last evaluated: 2022-10-17. Review status: criteria provided, single submitter. Criteria: Invitae Variant Classification Sherloc (09022015). Collection method: clinical testing. Allele origin: germline.
Comment: This sequence change replaces arginine, which is basic and polar, with glutamine, which is neutral and polar, at codon 178 of the EXOC6B protein (p.Arg178Gln). This variant is present in population databases (rs199798987, gnomAD 0.1%), and has an allele count higher than expected for a pathogenic variant. This variant has not been reported in the literature in individuals affected with EXOC6B-related conditions. Experimental studies and prediction algorithms are not available or were not evaluated, and the functional significance of this variant is currently unknown. In summary, the available evidence is currently insufficient to determine the role of this variant in disease. Therefore, it has been classified as a Variant of Uncertain Significance.

GeneDx
Classification: Uncertain significance. Last evaluated: 2022-01-18. Review status: criteria provided, single submitter. Criteria: GeneDx Variant Classification Process June 2021. Collection method: clinical testing. Allele origin: germline. Affected: yes.
Comment: In silico analysis supports that this missense variant has a deleterious effect on protein structure/function; Has not been previously published as pathogenic or benign to our knowledge; Variants in candidate genes are classified as variants of uncertain significance in accordance with ACMG guidelines (Richards et al., 2015)

NM_015189.3(EXOC6B):c.533G>A (p.Arg178Gln)

Gene: EXOC6B (exocyst complex component 6B; minus strand). Cytogenetic location: 2p13.2.
Variant type: single nucleotide variant.
Coding change: c.533G>A on transcript NM_015189.3 (MANE Select); coding-DNA position 533, G replaced by A.
Protein change: p.Arg178Gln; replaces arginine 178 with glutamine.
Molecular consequence: missense variant. On other transcripts: non-coding transcript variant (2).
Genome position (GRCh38, 1-based): chr2:72,718,239, C>T on the plus strand (G>A on the coding strand, the complement: EXOC6B is on the minus strand). VCF-style: chr2-72718239-C-T. GRCh37 (hg19) VCF-style: chr2-72945368-C-T.
Other names: c.533G>A, p.Arg178Gln (NM_001321729.2, NM_001321730.2, NM_001321731.2 and 1 more transcripts); c.194G>A, p.Arg65Gln (NM_001321734.2); c.533G>A (NM_015189.2); short protein forms R65Q, R178Q.
Identifiers: ClinVar variation 2037505 (VCV002037505.3), dbSNP rs199798987, ClinGen allele CA1708716.